The following is an entry in ClinVar:

ClinVar aggregate classification (germline): Uncertain significance (1 of 4 stars; one submission).

Conditions:
Pontocerebellar hypoplasia type 9. Identifiers: Orphanet 369920, MedGen C4014354, MONDO:0014351, OMIM 615809.
Hereditary spastic paraplegia 63. Also called: Spastic paraplegia 63, autosomal recessive. Identifiers: Orphanet 401805, MedGen C3810295, MONDO:0014305, OMIM 615686.

Allele frequency attached by ClinVar (database versions not stated): TOPMed below 0.00001; ExAC 0.00001; gnomAD 0.00001; gnomAD exomes 0.00001 and 0.00002.

Submission:

Labcorp Genetics (formerly Invitae), Labcorp
Classification: Uncertain significance for Pontocerebellar hypoplasia type 9; Hereditary spastic paraplegia 63. Last evaluated: 2024-05-20. Review status: criteria provided, single submitter. Criteria: Invitae Variant Classification Sherloc (09022015). Collection method: clinical testing. Allele origin: germline.
Comment: This sequence change replaces proline, which is neutral and non-polar, with leucine, which is neutral and non-polar, at codon 296 of the AMPD2 protein (p.Pro296Leu). This variant is present in population databases (rs768283469, gnomAD 0.004%). This variant has not been reported in the literature in individuals affected with AMPD2-related conditions. ClinVar contains an entry for this variant (Variation ID: 1410920). An algorithm developed to predict the effect of missense changes on protein structure and function (PolyPhen-2) suggests that this variant is likely to be tolerated. In summary, the available evidence is currently insufficient to determine the role of this variant in disease. Therefore, it has been classified as a Variant of Uncertain Significance.

NM_001368809.2(AMPD2):c.725C>T (p.Pro242Leu)

Gene: AMPD2 (adenosine monophosphate deaminase 2; plus strand). Cytogenetic location: 1p13.3.
Variant type: single nucleotide variant.
Coding change: c.725C>T on transcript NM_001368809.2 (MANE Select); coding-DNA position 725, C replaced by T.
Protein change: p.Pro242Leu; replaces proline 242 with leucine.
Molecular consequence: missense variant.
Genome position (GRCh38, 1-based): chr1:109,627,181, C>T. VCF-style: chr1-109627181-C-T. GRCh37 (hg19) VCF-style: chr1-110169803-C-T.
Other names: c.533C>T, p.Pro178Leu (NM_001257361.2); c.662C>T, p.Pro221Leu (NM_001308170.1); c.725C>T, p.Pro242Leu (NM_004037.9); c.644C>T, p.Pro215Leu (NM_139156.4); short protein forms P221L, P215L, P178L, P242L.
Identifiers: ClinVar variation 1410920 (VCV001410920.7), dbSNP rs768283469, ClinGen allele CA992899.